The following is an entry in ClinVar:

ClinVar aggregate classification (germline): Pathogenic. Review status: criteria provided, multiple submitters, no conflicts (2 of 4 stars). 2 submissions from 2 submitters: Pathogenic (2). Last evaluated 2023-07-17.

Conditions:
Treacher Collins syndrome 1 (TCS1). Also called: TCOF1-Related Treacher Collins Syndrome. Identifiers: Orphanet 861, MedGen CN315775, MONDO:0007944, OMIM 154500.

Submissions (2):

Labcorp Genetics (formerly Invitae), Labcorp
Classification: Pathogenic for Treacher Collins syndrome 1. Last evaluated: 2023-07-17. Review status: criteria provided, single submitter. Criteria: Invitae Variant Classification Sherloc (09022015). Collection method: clinical testing. Allele origin: germline.
Comment: This sequence change creates a premature translational stop signal (p.Gln1164*) in the TCOF1 gene. It is expected to result in an absent or disrupted protein product. Loss-of-function variants in TCOF1 are known to be pathogenic (PMID: 8894686, 22317976). This variant is not present in population databases (gnomAD no frequency). This premature translational stop signal has been observed in individual(s) with Treacher Collins syndrome (PMID: 12444270). This variant is also known as Q1087X. ClinVar contains an entry for this variant (Variation ID: 1805402). For these reasons, this variant has been classified as Pathogenic.

Victorian Clinical Genetics Services, Murdoch Childrens Research Institute
Classification: Pathogenic for Treacher Collins syndrome 1. Last evaluated: 2020-06-11. Review status: criteria provided, single submitter. Criteria: ACMG Guidelines, 2015. Collection method: clinical testing. Allele origin: germline. Inheritance: Autosomal dominant inheritance. Affected: yes.
Comment: Based on the classification scheme VCGS_Germline_v1.1.1, this variant is classified as Pathogenic. Following criteria are met: 0102 - Loss-of-function is a known mechanism of disease for this gene. (N) 0107 - This gene is known to be associated with autosomal dominant disease. (N) 0201 - Variant is predicted to cause nonsense-mediated decay (NMD) and loss of protein (exon 20 of 26). (P) 0251 - Variant is heterozygous. (N) 0301 - Variant is absent from gnomAD. (P) 0701 - Comparable variants have very strong previous evidence for pathogenicity. Other variants predicted to cause NMD have been reported as pathogenic in individuals with Treacher Collins syndrome (ClinVar). (P) 0803 - Low previous evidence of pathogenicity in unrelated individuals. The variant has been previously reported in a patient with Treacher Collins syndrome (PMID: 12444270). (P) 0905 - No segregation evidence has been identified for this variant. (N) 1007 - No published functional evidence has been identified for this variant. (P) Legend: (P) - Pathogenic, (N) - Neutral, (B) - Benign

Literature cited by the submitters: PubMed 8894686 (cited by Labcorp Genetics (formerly Invitae), Labcorp); PubMed 22317976 (cited by Labcorp Genetics (formerly Invitae), Labcorp); PubMed 12444270 (cited by Labcorp Genetics (formerly Invitae), Labcorp and Victorian Clinical Genetics Services, Murdoch Childrens Research Institute).

NM_001371623.1(TCOF1):c.3490C>T (p.Gln1164Ter)

Gene: TCOF1 (treacle ribosome biogenesis factor 1; plus strand). Cytogenetic location: 5q32.
Variant type: single nucleotide variant.
Coding change: c.3490C>T on transcript NM_001371623.1 (MANE Select); coding-DNA position 3490, C replaced by T.
Protein change: p.Gln1164Ter; replaces glutamine 1164 with a stop codon.
Molecular consequence: nonsense.
Genome position (GRCh38, 1-based): chr5:150,392,149, C>T. VCF-style: chr5-150392149-C-T. GRCh37 (hg19) VCF-style: chr5-149771712-C-T.
Other names: c.3259C>T, p.Gln1087Ter (NM_000356.4, NM_001135245.2); c.3490C>T, p.Gln1164Ter (NM_001135243.2); c.3376C>T, p.Gln1126Ter (NM_001135244.2, NM_001195141.2); short protein forms Q1087*, Q1126*, Q1164*.
Identifiers: ClinVar variation 1805402 (VCV001805402.6), dbSNP rs2534305480, ClinGen allele CA361737515.
Genomic context (GRCh38, chr5:150,392,149, plus strand): 5'-GATGACAGTGAGGACAGCAGCGACAGTTCTTCAGGGAGTGAGGAAGATGGTGAAGGGCCC[C>T]AGGGGGCCAAGTCAGCCCACACGCTGGGTGAGGGTGCCAGGGGAAAGGCAAGGGTGGGCC-3'